The following is an entry in ClinVar:

ClinVar aggregate classification (germline): Uncertain significance. Review status: criteria provided, single submitter (1 of 4 stars). 2 submissions from 2 submitters: Uncertain significance (1). 1 of the submissions does not count toward it. Last evaluated 2023-05-23.

Conditions:
FN1-related disorder. Also called: FN1-related condition.

Allele frequency attached by ClinVar (database versions not stated): gnomAD exomes 0.00001.
gnomAD v4.1: 4 of 1,614,188 alleles (0.00025%); highest among the groups gnomAD compares: Non-Finnish European, 0.00034%; no homozygotes.

Submissions (2):

Labcorp Genetics (formerly Invitae), Labcorp
Classification: Uncertain significance. Last evaluated: 2023-05-23. Review status: criteria provided, single submitter. Criteria: Invitae Variant Classification Sherloc (09022015). Collection method: clinical testing. Allele origin: germline.
Comment: In summary, the available evidence is currently insufficient to determine the role of this variant in disease. Therefore, it has been classified as a Variant of Uncertain Significance. An algorithm developed to predict the effect of missense changes on protein structure and function (PolyPhen-2) suggests that this variant is likely to be disruptive. This variant has not been reported in the literature in individuals affected with FN1-related conditions. This variant is not present in population databases (gnomAD no frequency). This sequence change replaces valine, which is neutral and non-polar, with glycine, which is neutral and non-polar, at codon 1609 of the FN1 protein (p.Val1609Gly).

PreventionGenetics, part of Exact Sciences
Classification: Uncertain significance for FN1-related condition. Last evaluated: 2023-12-31. Review status: no assertion criteria provided. Collection method: clinical testing. Allele origin: germline. Not counted in ClinVar's aggregate classification.
Comment: The FN1 c.4826T>G variant is predicted to result in the amino acid substitution p.Val1609Gly. To our knowledge, this variant has not been reported in the literature. This variant is reported in 0.00088% of alleles in individuals of European (Non-Finnish) descent in gnomAD. At this time, the clinical significance of this variant is uncertain due to the absence of conclusive functional and genetic evidence.

NM_212482.4(FN1):c.4826T>G (p.Val1609Gly)

Gene: FN1 (fibronectin 1; minus strand). Cytogenetic location: 2q35.
Variant type: single nucleotide variant.
Coding change: c.4826T>G on transcript NM_212482.4 (MANE Select); coding-DNA position 4826, T replaced by G.
Protein change: p.Val1609Gly; replaces valine 1609 with glycine.
Molecular consequence: missense variant.
Genome position (GRCh38, 1-based): chr2:215,384,088, A>C on the plus strand (T>G on the coding strand, the complement: FN1 is on the minus strand). VCF-style: chr2-215384088-A-C. GRCh37 (hg19) VCF-style: chr2-216248811-A-C.
Other names: c.4826T>G, p.Val1609Gly (NM_001306129.2, NM_001306130.2, NM_001365517.2 and 3 more transcripts); c.4553T>G, p.Val1518Gly (NM_001306131.2, NM_001306132.2, NM_001365518.2 and 7 more transcripts); c.4826T>G (NM_212482.2); short protein forms V1518G, V1609G.
Identifiers: ClinVar variation 3010172 (VCV003010172.5), dbSNP rs1559398545, ClinGen allele CA350479095.
Genomic context (GRCh38, chr2:215,384,088, plus strand): 5'-TAATTAATGGAAATTGGCTTGCTGCTTGCGGGGCTGTCTCCACGGCCAGTGACAGCATAC[A>C]CAGTGATGGTATAATCAACTCCAGGTTTAAGGCCGCTGATGGTAGCTGTAGACTTGCTCC-3'
Protein context (NP_997647.2, residues 1599-1619): LKPGVDYTIT[Val1609Gly]YAVTGRGDSP